The following is an entry in ClinVar:

NM_016614.3(TDP2):c.9G>A (p.Leu3=)

Genes: TDP2 (tyrosyl-DNA phosphodiesterase 2; minus strand), LOC113174982 (Sharpr-MPRA regulatory region 5933; plus strand). Cytogenetic location: 6p22.3.
Variant type: single nucleotide variant.
Coding change: c.9G>A on transcript NM_016614.3 (MANE Select); coding-DNA position 9, G replaced by A.
Protein change: p.Leu3=; no amino-acid change (leucine 3 retained).
Molecular consequence: synonymous variant.
Genome position (GRCh38, 1-based): chr6:24,666,854, C>T on the plus strand (G>A on the coding strand, the complement: TDP2 is on the minus strand). VCF-style: chr6-24666854-C-T. GRCh37 (hg19) VCF-style: chr6-24667082-C-T.
Identifiers: ClinVar variation 730556 (VCV000730556.5), dbSNP rs142424556, ClinGen allele CA3658320.

ClinVar aggregate classification (germline): Benign. Review status: criteria provided, single submitter (1 of 4 stars). 2 submissions from 2 submitters: Benign (1). 1 of the submissions does not count toward it. Last evaluated 2018-05-24.

Conditions:
TDP2-related disorder. Also called: TDP2-related condition.

Allele frequency attached by ClinVar (database versions not stated): gnomAD exomes 0.00008 and 0.00022; ExAC 0.00028; gnomAD 0.00100 and 0.00113; TOPMed 0.00100; ESP Exome Variant Server 0.00115; 1000 Genomes Project 0.00140; 1000 Genomes Project 30x 0.00141.
gnomAD v4.1: 272 of 1,613,894 alleles (0.017%); highest among the groups gnomAD compares: African/African-American, 0.33%; no homozygotes.

Submissions (2):

Labcorp Genetics (formerly Invitae), Labcorp
Classification: Benign. Last evaluated: 2018-05-24. Review status: criteria provided, single submitter. Criteria: Invitae Variant Classification Sherloc (09022015). Collection method: clinical testing. Allele origin: germline.

PreventionGenetics, part of Exact Sciences
Classification: Likely benign for TDP2-related condition. Last evaluated: 2019-10-01. Review status: no assertion criteria provided. Collection method: clinical testing. Allele origin: germline. Not counted in ClinVar's aggregate classification.
Comment: This variant is classified as likely benign based on ACMG/AMP sequence variant interpretation guidelines (Richards et al. 2015 PMID: 25741868, with internal and published modifications).